The following is an entry in ClinVar:

NM_020338.4(ZMIZ1):c.564_569del (p.187AN[1])

Gene: ZMIZ1 (zinc finger MIZ-type containing 1; plus strand). Cytogenetic location: 10q22.3.
Variant type: Deletion.
Coding change: c.564_569del on transcript NM_020338.4 (MANE Select); coding-DNA positions 564 to 569, 6 bases deleted (TGCCAA; older notation c.564_569delTGCCAA).
Protein change: p.187AN[1].
Molecular consequence: inframe deletion.
Genome position (GRCh38, 1-based): chr10:79,290,982-79,290,987, TGCCAA deleted; deleting any 6 consecutive bases within chr10:79,290,977-79,290,987 gives the same sequence; the c. name uses the placement nearest the transcript's 3' end. VCF-style (leftmost placement, unchanged base first): chr10-79290976-GGCCAAT-G. GRCh37 (hg19) VCF-style: chr10-81050733-GGCCAAT-G.
Identifiers: ClinVar variation 1310050 (VCV001310050.2), dbSNP rs2132028354, ClinGen allele CA2573053313.

ClinVar aggregate classification (germline): Uncertain significance (1 of 4 stars; one submission).

Submission:

GeneDx
Classification: Uncertain significance. Last evaluated: 2019-11-18. Review status: criteria provided, single submitter. Criteria: GeneDx Variant Classification Process June 2021. Collection method: clinical testing. Allele origin: germline. Affected: yes.
Comment: Not observed in large population cohorts (Lek et al., 2016); In-frame deletion of 2 amino acids in a non-repeat region; In silico analysis, which includes protein predictors and evolutionary conservation, supports a deleterious effect; Has not been previously published as pathogenic or benign to our knowledge